The following is an entry in ClinVar:

ClinVar aggregate classification (germline): Benign. Review status: criteria provided, multiple submitters, no conflicts (2 of 4 stars). 2 submissions from 2 submitters: Benign (2). Last evaluated 2018-06-16.

Allele frequency attached by ClinVar (database versions not stated): gnomAD exomes 0.16627; 1000 Genomes Project 0.21286; 1000 Genomes Project 30x 0.21814; gnomAD 0.24601 and 0.25408; TOPMed 0.24967.
gnomAD v4.1: 146,102 of 804,356 alleles (18%); highest among the groups gnomAD compares: African/African-American, 40%; 15,983 homozygotes.

Submissions (2):

GeneDx
Classification: Benign. Last evaluated: 2018-06-16. Review status: criteria provided, single submitter. Criteria: GeneDx Variant Classification (06012015). Collection method: clinical testing. Allele origin: germline. Affected: yes.
Comment: This variant is considered likely benign or benign based on one or more of the following criteria: it is a conservative change, it occurs at a poorly conserved position in the protein, it is predicted to be benign by multiple in silico algorithms, and/or has population frequency not consistent with disease.

Breakthrough Genomics
Classification: Benign. Review status: criteria provided, single submitter. Criteria: ACMG Guidelines, 2015. Collection method: not provided. Allele origin: germline. Inheritance: Autosomal recessive inheritance. Affected: yes.

NM_001853.4(COL9A3):c.1288-151G>A

Gene: COL9A3 (collagen type IX alpha 3 chain; plus strand). Cytogenetic location: 20q13.33.
Variant type: single nucleotide variant.
Coding change: c.1288-151G>A on transcript NM_001853.4 (MANE Select); 151 bases into the intron before coding-DNA position 1288, G replaced by A.
Molecular consequence: intron variant.
Genome position (GRCh38, 1-based): chr20:62,832,003, G>A. VCF-style: chr20-62832003-G-A. GRCh37 (hg19) VCF-style: chr20-61463355-G-A.
Identifiers: ClinVar variation 678466 (VCV000678466.2), dbSNP rs751558, ClinGen allele CA14824228.
Genomic context (GRCh38, chr20:62,832,003, plus strand): 5'-ACAAGGGGAGGCTGGACAGAGCCATCGGGCCCAGAGGCTGTGAACGTGAGCTTGGCCTTT[G>A]GGCCTGTGTCTGGGAGCCGGTGTTCACAGAAGCCCTTTGTGCAGCACAGATGGAGATGTG-3'